The following is an entry in ClinVar:

ClinVar aggregate classification (germline): Uncertain significance. Review status: criteria provided, multiple submitters, no conflicts (2 of 4 stars). 3 submissions from 3 submitters: Uncertain significance (3). Last evaluated 2025-12-10.

Conditions:
Hereditary cancer-predisposing syndrome. Also called: Tumor predisposition; Hereditary neoplastic syndrome; Neoplastic Syndromes, Hereditary; Hereditary Cancer Syndrome. Identifiers: Orphanet 140162, MedGen C0027672, MeSH D009386, MONDO:0015356.
Familial cancer of breast. Also called: hereditary breast carcinoma; BREAST CANCER, FAMILIAL; Hereditary breast cancer. Identifiers: Orphanet 227535, MedGen C0346153, MONDO:0016419, OMIM 114480. Disease mechanism: loss of function.

Allele frequency attached by ClinVar (database versions not stated): gnomAD 0.00001.
gnomAD v4.1: 1 of 1,614,064 alleles (0.000062%); highest among the groups gnomAD compares: Non-Finnish European, 0.000085%; no homozygotes.

Submissions (3):

Labcorp Genetics (formerly Invitae), Labcorp
Classification: Uncertain significance for Familial cancer of breast. Last evaluated: 2025-12-10. Review status: criteria provided, single submitter. Criteria: Invitae Variant Classification Sherloc (09022015). Collection method: clinical testing. Allele origin: germline.
Comment: This sequence change replaces histidine, which is basic and polar, with aspartic acid, which is acidic and polar, at codon 723 of the BARD1 protein (p.His723Asp). This variant is not present in population databases (gnomAD no frequency). This variant has not been reported in the literature in individuals affected with BARD1-related conditions. ClinVar contains an entry for this variant (Variation ID: 857984). An algorithm developed to predict the effect of missense changes on protein structure and function (PolyPhen-2) suggests that this variant is likely to be disruptive. In summary, the available evidence is currently insufficient to determine the role of this variant in disease. Therefore, it has been classified as a Variant of Uncertain Significance.

Ambry Genetics
Classification: Uncertain significance for Hereditary cancer-predisposing syndrome. Last evaluated: 2025-03-07. Review status: criteria provided, single submitter. Criteria: Ambry Variant Classification Scheme 2023. Collection method: clinical testing. Allele origin: germline.
Comment: The p.H723D variant (also known as c.2167C>G), located in coding exon 11 of the BARD1 gene, results from a C to G substitution at nucleotide position 2167. The histidine at codon 723 is replaced by aspartic acid, an amino acid with similar properties. This variant was reported in 1/60,466 breast cancer cases and in 0/53,461 controls (Dorling et al. N Engl J Med, 2021 Feb;384:428-439). This amino acid position is highly conserved in available vertebrate species. In addition, this alteration is predicted to be deleterious by in silico analysis. Based on the available evidence, the clinical significance of this variant remains unclear.

Color Diagnostics, LLC DBA Color Health
Classification: Uncertain significance for Hereditary cancer-predisposing syndrome. Last evaluated: 2024-03-06. Review status: criteria provided, single submitter. Criteria: ACMG Guidelines, 2015. Collection method: clinical testing. Allele origin: germline.
Comment: This missense variant replaces histidine with aspartic acid at codon 723 of the BARD1 protein. Computational prediction is inconclusive regarding the impact of this variant on protein structure and function (internally defined REVEL score threshold 0.5 < inconclusive < 0.7, PMID: 27666373). Splice site prediction tools suggest that this variant may not impact RNA splicing. To our knowledge, functional studies have not been performed for this variant. This variant has not been reported in individuals affected with hereditary cancer in the literature. This variant has not been identified in the general population by the Genome Aggregation Database (gnomAD). The available evidence is insufficient to determine the role of this variant in disease conclusively. Therefore, this variant is classified as a Variant of Uncertain Significance.

Literature cited by the submitters: PubMed 33471991 (cited by Ambry Genetics).

NM_000465.4(BARD1):c.2167C>G (p.His723Asp)

Gene: BARD1 (BRCA1 associated RING domain 1; minus strand). Cytogenetic location: 2q35.
Variant type: single nucleotide variant.
Coding change: c.2167C>G on transcript NM_000465.4 (MANE Select); coding-DNA position 2167, C replaced by G.
Protein change: p.His723Asp; replaces histidine 723 with aspartic acid.
Molecular consequence: missense variant. On other transcripts: non-coding transcript variant (3).
Genome position (GRCh38, 1-based): chr2:214,728,843, G>C on the plus strand (C>G on the coding strand, the complement: BARD1 is on the minus strand). VCF-style: chr2-214728843-G-C. GRCh37 (hg19) VCF-style: chr2-215593567-G-C.
Other names: c.2110C>G, p.His704Asp (NM_001282543.2); c.814C>G, p.His272Asp (NM_001282545.2); c.757C>G, p.His253Asp (NM_001282548.2); c.628C>G, p.His210Asp (NM_001282549.2); c.2167C>G (NM_000465.2); short protein forms H272D, H210D, H253D, H704D, H723D.
Identifiers: ClinVar variation 857984 (VCV000857984.18), dbSNP rs1245669447, ClinGen allele CA350450412.